The following is an entry in ClinVar:

NM_002863.5(PYGL):c.1982C>A (p.Thr661Lys)

Gene: PYGL (glycogen phosphorylase L; minus strand). Cytogenetic location: 14q22.1.
Variant type: single nucleotide variant.
Coding change: c.1982C>A on transcript NM_002863.5 (MANE Select); coding-DNA position 1982, C replaced by A.
Protein change: p.Thr661Lys; replaces threonine 661 with lysine.
Molecular consequence: missense variant.
Genome position (GRCh38, 1-based): chr14:50,910,090, G>T on the plus strand (C>A on the coding strand, the complement: PYGL is on the minus strand). VCF-style: chr14-50910090-G-T. GRCh37 (hg19) VCF-style: chr14-51376808-G-T.
Other names: c.1880C>A, p.Thr627Lys (NM_001163940.2); short protein forms T627K, T661K.
Identifiers: ClinVar variation 3603289 (VCV003603289.1).

ClinVar aggregate classification (germline): Uncertain significance (1 of 4 stars; one submission).

Conditions:
Glycogen storage disease, type VI (GSD6). Also called: Glycogen storage disease type 6; Hepatic glycogen phosphorylase deficiency; Glycogen storage disease type 6, due to phosphorylation; GSD VI; HERS DISEASE; PHOSPHORYLASE DEFICIENCY GLYCOGEN-STORAGE DISEASE OF LIVER. Identifiers: Orphanet 369, MedGen C0017925, MONDO:0009294, OMIM 232700.

gnomAD v4.1: 3 of 1,613,728 alleles (0.00019%); highest among the groups gnomAD compares: South Asian, 0.0033%; no homozygotes.

Submission:

Neuberg Centre For Genomic Medicine, NCGM
Classification: Uncertain significance for Glycogen storage disease, type VI. Review status: criteria provided, single submitter. Criteria: ACMG Guidelines, 2015. Collection method: clinical testing. Allele origin: germline. Inheritance: Autosomal recessive inheritance. Affected: yes.
Comment: The observed missense c.1982C>A (p.Thr661Lys) variant in PYGL gene has not been reported previously as a pathogenic variant nor as a benign variant, to our knowledge. The p.Thr661Lys variant is absent in gnomAD Exomes. This variant has not been submitted to the ClinVar database. Multiple lines of computational evidence (Polyphen - Possibly damaging, SIFT – Damaging and Mutation Taster - Disease causing) predict a damaging effect on protein structure and function for this variant. The reference amino acid at this position on PYGL gene is predicted as conserved by GERP++ and PhyloP across 100 vertebrates. The amino acid Thr at position 661 is changed to a Lys changing protein sequence and it might alter its composition and physico-chemical properties. For these reasons, this variant has been classified as Variant of Uncertain Significance (VUS).